The following is an entry in ClinVar:

ClinVar aggregate classification (germline): Conflicting classifications of pathogenicity. Review status: criteria provided, conflicting classifications (1 of 4 stars). 4 submissions from 4 submitters: Likely pathogenic (1); Uncertain significance (3). Last evaluated 2026-01-07.

Conditions:
Hypogonadotropic hypogonadism 5 with or without anosmia (KAL5). Also called: HYPOGONADOTROPIC HYPOGONADISM 5 WITH ANOSMIA; HYPOGONADOTROPHIC HYPOGONADISM 5 WITHOUT ANOSMIA; CHD7-Related GnRH Deficiency (Kallmann Syndrome 5). Identifiers: Orphanet 478, MedGen C3552553, MONDO:0012880, OMIM 612370. Disease mechanism: loss of function.
Inborn genetic diseases. Identifiers: MedGen C0950123, MeSH D030342.
CHARGE syndrome (CHARGE). Also called: CHARGE ASSOCIATION--COLOBOMA, HEART ANOMALY, CHOANAL ATRESIA, RETARDATION, GENITAL AND EAR ANOMALIES; Coloboma, heart anomaly, choanal atresia, retardation, genital and ear anomalies; CHARGE association; Hall-Hittner syndrome; Hittner Hirsch Kreh syndrome. Identifiers: Orphanet 138, MedGen C0265354, MONDO:0008965.

Allele frequency attached by ClinVar (database versions not stated): TOPMed 0.00001; gnomAD 0.00002.
gnomAD v4.1: 5 of 1,613,870 alleles (0.00031%); highest among the groups gnomAD compares: African/African-American, 0.0027%; no homozygotes.

Submissions (4):

Ambry Genetics
Classification: Uncertain significance for Inborn genetic diseases. Last evaluated: 2026-01-07. Review status: criteria provided, single submitter. Criteria: Ambry Variant Classification Scheme 2023. Collection method: clinical testing. Allele origin: germline.
Comment: The c.6184C>T (p.R2062W) alteration is located in exon 31 (coding exon 30) of the CHD7 gene. This alteration results from a C to T substitution at nucleotide position 6184, causing the arginine (R) at amino acid position 2062 to be replaced by a tryptophan (W). Based on data from gnomAD, the T allele has an overall frequency of <0.001% (1/280650) total alleles studied. The highest observed frequency was 0.001% (1/128430) of European (non-Finnish) alleles. Based on insufficient or conflicting evidence, the clinical significance of this alteration remains unclear.

Labcorp Genetics (formerly Invitae), Labcorp
Classification: Uncertain significance for CHARGE syndrome. Last evaluated: 2025-10-18. Review status: criteria provided, single submitter. Criteria: Invitae Variant Classification Sherloc (09022015). Collection method: clinical testing. Allele origin: germline.
Comment: This sequence change replaces arginine, which is basic and polar, with tryptophan, which is neutral and slightly polar, at codon 2062 of the CHD7 protein (p.Arg2062Trp). This variant is present in population databases (no rsID available, gnomAD 0.007%). This missense change has been observed in individual(s) with clinical features of CHD7-related conditions (PMID: 30181649, 33057194, 35982159). ClinVar contains an entry for this variant (Variation ID: 363471). Invitae Evidence Modeling of protein sequence and biophysical properties (such as structural, functional, and spatial information, amino acid conservation, physicochemical variation, residue mobility, and thermodynamic stability) indicates that this missense variant is expected to disrupt CHD7 protein function with a positive predictive value of 80%. This variant disrupts the p.Arg2062 amino acid residue in CHD7. Other variant(s) that disrupt this residue have been observed in individuals with CHD7-related conditions (PMID: 36531499), which suggests that this may be a clinically significant amino acid residue. In summary, the available evidence is currently insufficient to determine the role of this variant in disease. Therefore, it has been classified as a Variant of Uncertain Significance.

Illumina Laboratory Services, Illumina
Classification: Uncertain significance for Kallmann Syndrome 5. Last evaluated: 2018-01-13. Review status: criteria provided, single submitter. Criteria: ICSL Variant Classification Criteria 13 December 2019. Collection method: clinical testing. Allele origin: germline.

GeneDx
Classification: Likely pathogenic. Last evaluated: 2017-02-23. Review status: criteria provided, single submitter. Criteria: GeneDx Variant Classification (06012015). Collection method: clinical testing. Allele origin: germline. Affected: yes.
Comment: The R2062W variant in the CHD7 gene has been reported previously in an individual with CHARGE syndrome who also harbored a CHD7 nonsense variant; therefore the R2062W variant was presumed benign (Janssen et al., 2012). However, R2062W is not observed in large population cohorts (Lek et al., 2016; 1000 Genomes Consortium et al., 2015; Exome Variant Server). The R2062W variant is a non-conservative amino acid substitution, which is likely to impact secondary protein structure as these residues differ in polarity, charge, size and/or other properties. This substitution occurs at a position that is conserved across species. In silico analysis predicts this variant is probably damaging to the protein structure/function. We interpret R2062W as a likely pathogenic variant.

Literature cited by the submitters: PubMed 30181649 (cited by Labcorp Genetics (formerly Invitae), Labcorp); PubMed 33057194 (cited by Labcorp Genetics (formerly Invitae), Labcorp); PubMed 35982159 (cited by Labcorp Genetics (formerly Invitae), Labcorp); PubMed 36531499 (cited by Labcorp Genetics (formerly Invitae), Labcorp).

NM_017780.4(CHD7):c.6184C>T (p.Arg2062Trp)

Gene: CHD7 (chromodomain helicase DNA binding protein 7; plus strand). Cytogenetic location: 8q12.2.
Variant type: single nucleotide variant.
Coding change: c.6184C>T on transcript NM_017780.4 (MANE Select); coding-DNA position 6184, C replaced by T.
Protein change: p.Arg2062Trp; replaces arginine 2062 with tryptophan.
Molecular consequence: missense variant. On other transcripts: intron variant (1).
Genome position (GRCh38, 1-based): chr8:60,852,909, C>T. VCF-style: chr8-60852909-C-T. GRCh37 (hg19) VCF-style: chr8-61765468-C-T.
Other names: c.6184C>T (LRG_176t1); c.1717-9320C>T (NM_001316690.1); short protein forms R2062W.
Identifiers: ClinVar variation 363471 (VCV000363471.8), dbSNP rs886063038, ClinGen allele CA10631389.